The following is an entry in ClinVar:

ClinVar aggregate classification (germline): Uncertain significance (1 of 4 stars; one submission).

Conditions:
Adams-Oliver syndrome 5 (AOS5). Identifiers: Orphanet 974, MedGen C4014970, MONDO:0014459, OMIM 616028.

Allele frequency attached by ClinVar (database versions not stated): gnomAD exomes below 0.00001.
gnomAD v4.1: 1 of 1,608,612 alleles (0.000062%); highest among the groups gnomAD compares: Non-Finnish European, 0.000085%; no homozygotes.

Submission:

Labcorp Genetics (formerly Invitae), Labcorp
Classification: Uncertain significance for Adams-Oliver syndrome 5. Last evaluated: 2023-03-08. Review status: criteria provided, single submitter. Criteria: Invitae Variant Classification Sherloc (09022015). Collection method: clinical testing. Allele origin: germline.
Comment: Advanced modeling of protein sequence and biophysical properties (such as structural, functional, and spatial information, amino acid conservation, physicochemical variation, residue mobility, and thermodynamic stability) performed at Invitae indicates that this missense variant is not expected to disrupt NOTCH1 protein function. In summary, the available evidence is currently insufficient to determine the role of this variant in disease. Therefore, it has been classified as a Variant of Uncertain Significance. This variant has not been reported in the literature in individuals affected with NOTCH1-related conditions. This sequence change replaces isoleucine, which is neutral and non-polar, with methionine, which is neutral and non-polar, at codon 509 of the NOTCH1 protein (p.Ile509Met). This variant is not present in population databases (gnomAD no frequency).

NM_017617.5(NOTCH1):c.1527C>G (p.Ile509Met)

Gene: NOTCH1 (notch receptor 1; minus strand). Cytogenetic location: 9q34.3.
Variant type: single nucleotide variant.
Coding change: c.1527C>G on transcript NM_017617.5 (MANE Select); coding-DNA position 1527, C replaced by G.
Protein change: p.Ile509Met; replaces isoleucine 509 with methionine.
Molecular consequence: missense variant.
Genome position (GRCh38, 1-based): chr9:136,517,300, G>C on the plus strand (C>G on the coding strand, the complement: NOTCH1 is on the minus strand). VCF-style: chr9-136517300-G-C. GRCh37 (hg19) VCF-style: chr9-139411752-G-C.
Other names: short protein forms I509M.
Identifiers: ClinVar variation 2982053 (VCV002982053.3), dbSNP rs2133367383, ClinGen allele CA375562190.